The following is an entry in ClinVar:

ClinVar aggregate classification (germline): Uncertain significance. Review status: criteria provided, multiple submitters, no conflicts (2 of 4 stars). 2 submissions from 2 submitters: Uncertain significance (2). Last evaluated 2023-01-26.

Conditions:
MEGF8-related Carpenter syndrome. Also called: Carpenter syndrome 2. Identifiers: Orphanet 65759, MedGen C3554247, MONDO:0013998, OMIM 614976.
Inborn genetic diseases. Identifiers: MedGen C0950123, MeSH D030342.

Allele frequency attached by ClinVar (database versions not stated): gnomAD 0.00001; gnomAD exomes 0.00001 and 0.00002; TOPMed 0.00002; ExAC 0.00005.
gnomAD v4.1: 16 of 1,610,426 alleles (0.00099%); highest among the groups gnomAD compares: East Asian, 0.0045%; no homozygotes.

Submissions (2):

Ambry Genetics
Classification: Uncertain significance for Inborn genetic diseases. Last evaluated: 2023-01-26. Review status: criteria provided, single submitter. Criteria: Ambry Variant Classification Scheme 2023. Collection method: clinical testing. Allele origin: germline.

Baylor Genetics
Classification: Uncertain significance for MEGF8-related Carpenter syndrome. Last evaluated: 2018-11-14. Review status: criteria provided, single submitter. Criteria: ACMG Guidelines, 2015. Collection method: clinical testing. Allele origin: unknown. Affected: yes.
Comment: This variant was determined to be of uncertain significance according to ACMG Guidelines, 2015 [PMID:25741868].

NM_001271938.2(MEGF8):c.4333C>T (p.Arg1445Cys)

Gene: MEGF8 (multiple EGF like domains 8; plus strand). Cytogenetic location: 19q13.2.
Variant type: single nucleotide variant.
Coding change: c.4333C>T on transcript NM_001271938.2 (MANE Select); coding-DNA position 4333, C replaced by T.
Protein change: p.Arg1445Cys; replaces arginine 1445 with cysteine.
Molecular consequence: missense variant.
Genome position (GRCh38, 1-based): chr19:42,355,946, C>T. VCF-style: chr19-42355946-C-T. GRCh37 (hg19) VCF-style: chr19-42860098-C-T.
Other names: c.4132C>T, p.Arg1378Cys (NM_001410.3); short protein forms R1445C, R1378C.
Identifiers: ClinVar variation 1033836 (VCV001033836.3), dbSNP rs374942873, ClinGen allele CA9475232.